The following is an entry in ClinVar:

NM_001040142.2(SCN2A):c.267+292C>T

Gene: SCN2A (sodium voltage-gated channel alpha subunit 2; plus strand). Cytogenetic location: 2q24.3.
Variant type: single nucleotide variant.
Coding change: c.267+292C>T on transcript NM_001040142.2 (MANE Select); 292 bases into the intron after coding-DNA position 267, C replaced by T.
Molecular consequence: intron variant.
Genome position (GRCh38, 1-based): chr2:165,296,382, C>T. VCF-style: chr2-165296382-C-T. GRCh37 (hg19) VCF-style: chr2-166152892-C-T.
Other names: c.267+292C>T (NM_001040143.2, NM_001371246.1, NM_001371247.1 and 1 more transcripts).
Identifiers: ClinVar variation 672643 (VCV000672643.1), dbSNP rs191176517, ClinGen allele CA59719804.

ClinVar aggregate classification (germline): Likely benign (1 of 4 stars; one submission).

Allele frequency attached by ClinVar (database versions not stated): gnomAD 0.00576 and 0.00609; TOPMed 0.00633; 1000 Genomes Project 0.00719; 1000 Genomes Project 30x 0.00796.
gnomAD v4.1: 1,083 of 383,362 alleles (0.28%); highest among the groups gnomAD compares: African/African-American, 2%; 7 homozygotes.

Submission:

GeneDx
Classification: Likely benign. Last evaluated: 2018-06-14. Review status: criteria provided, single submitter. Criteria: GeneDx Variant Classification (06012015). Collection method: clinical testing. Allele origin: germline. Affected: yes.
Comment: This variant is considered likely benign or benign based on one or more of the following criteria: it is a conservative change, it occurs at a poorly conserved position in the protein, it is predicted to be benign by multiple in silico algorithms, and/or has population frequency not consistent with disease.